The following is an entry in ClinVar:

NM_005529.7(HSPG2):c.6458C>T (p.Pro2153Leu)

Genes: HSPG2 (heparan sulfate proteoglycan 2; minus strand), LOC126805655 (CDK7 strongly-dependent group 2 enhancer GRCh37_chr1:22178409-22179608; plus strand). Cytogenetic location: 1p36.12.
Variant type: single nucleotide variant.
Coding change: c.6458C>T on transcript NM_005529.7 (MANE Select); coding-DNA position 6458, C replaced by T.
Protein change: p.Pro2153Leu; replaces proline 2153 with leucine.
Molecular consequence: missense variant.
Genome position (GRCh38, 1-based): chr1:21,853,052, G>A on the plus strand (C>T on the coding strand, the complement: HSPG2 is on the minus strand). VCF-style: chr1-21853052-G-A. GRCh37 (hg19) VCF-style: chr1-22179545-G-A.
Other names: c.6461C>T, p.Pro2154Leu (NM_001291860.2); short protein forms P2154L, P2153L.
Identifiers: ClinVar variation 1524615 (VCV001524615.6), dbSNP rs926635779, ClinGen allele CA19121189.

ClinVar aggregate classification (germline): Uncertain significance (1 of 4 stars; one submission).

Allele frequency attached by ClinVar (database versions not stated): TOPMed below 0.00001.
gnomAD v4.1: 2 of 1,613,900 alleles (0.00012%); highest among the groups gnomAD compares: Admixed American, 0.0017%; no homozygotes.

Submission:

Labcorp Genetics (formerly Invitae), Labcorp
Classification: Uncertain significance. Last evaluated: 2021-11-01. Review status: criteria provided, single submitter. Criteria: Invitae Variant Classification Sherloc (09022015). Collection method: clinical testing. Allele origin: germline.
Comment: In summary, the available evidence is currently insufficient to determine the role of this variant in disease. Therefore, it has been classified as a Variant of Uncertain Significance. Algorithms developed to predict the effect of missense changes on protein structure and function output the following: SIFT: "Tolerated"; PolyPhen-2: "Benign"; Align-GVGD: "Class C0". The leucine amino acid residue is found in multiple mammalian species, which suggests that this missense change does not adversely affect protein function. This variant has not been reported in the literature in individuals affected with HSPG2-related conditions. This variant is not present in population databases (gnomAD no frequency). This sequence change replaces proline, which is neutral and non-polar, with leucine, which is neutral and non-polar, at codon 2153 of the HSPG2 protein (p.Pro2153Leu).